The following is an entry in ClinVar:

ClinVar aggregate classification (germline): Uncertain significance (1 of 4 stars; one submission).

Conditions:
Severe combined immunodeficiency due to DNA-PKcs deficiency. Also called: IMMUNODEFICIENCY 26 WITH NEUROLOGIC ABNORMALITIES; Immunodeficiency 26 with or without neurologic abnormalities. Identifiers: Orphanet 317425, MedGen C4014833, MONDO:0014423, OMIM 615966.

Allele frequency attached by ClinVar (database versions not stated): gnomAD exomes below 0.00001 and 0.00001.
gnomAD v4.1: 2 of 1,555,036 alleles (0.00013%); highest among the groups gnomAD compares: African/African-American, 0.0027%; no homozygotes.

Submission:

Labcorp Genetics (formerly Invitae), Labcorp
Classification: Uncertain significance for Severe combined immunodeficiency due to DNA-PKcs deficiency. Last evaluated: 2021-04-29. Review status: criteria provided, single submitter. Criteria: Invitae Variant Classification Sherloc (09022015). Collection method: clinical testing. Allele origin: germline.
Comment: In summary, the available evidence is currently insufficient to determine the role of this variant in disease. Therefore, it has been classified as a Variant of Uncertain Significance. Experimental studies and prediction algorithms are not available or were not evaluated, and the functional significance of this variant is currently unknown. This variant has not been reported in the literature in individuals with PRKDC-related conditions. This variant is not present in population databases (ExAC no frequency). This sequence change replaces arginine with glutamine at codon 1151 of the PRKDC protein (p.Arg1151Gln). The arginine residue is highly conserved and there is a small physicochemical difference between arginine and glutamine.

NM_006904.7(PRKDC):c.3452G>A (p.Arg1151Gln)

Gene: PRKDC (protein kinase, DNA-activated, catalytic subunit; minus strand). Cytogenetic location: 8q11.21.
Variant type: single nucleotide variant.
Coding change: c.3452G>A on transcript NM_006904.7 (MANE Select); coding-DNA position 3452, G replaced by A.
Protein change: p.Arg1151Gln; replaces arginine 1151 with glutamine.
Molecular consequence: missense variant.
Genome position (GRCh38, 1-based): chr8:47,898,482, C>T on the plus strand (G>A on the coding strand, the complement: PRKDC is on the minus strand). VCF-style: chr8-47898482-C-T. GRCh37 (hg19) VCF-style: chr8-48811042-C-T.
Other names: c.3452G>A, p.Arg1151Gln (NM_001081640.2); short protein forms R1151Q.
Identifiers: ClinVar variation 1350002 (VCV001350002.4), dbSNP rs1244109200, ClinGen allele CA371154339.